The following is an entry in ClinVar:

ClinVar aggregate classification (germline): Conflicting classifications of pathogenicity. Review status: criteria provided, conflicting classifications (1 of 4 stars). 2 submissions from 2 submitters: Uncertain significance (1); Benign (1). Last evaluated 2025-09-04.

Conditions:
Intellectual developmental disorder, X-linked 1. Also called: MENTAL RETARDATION, X-LINKED 18; MENTAL RETARDATION, X-LINKED 78; Intellectual disability, X-linked 1; Atkin Flaitz Patil Smith syndrome. Identifiers: Orphanet 777, MedGen C2931498, MONDO:0010656, OMIM 309530.

Allele frequency attached by ClinVar (database versions not stated): TOPMed 0.00002; ExAC 0.00003; gnomAD 0.00002.

Submissions (2):

GeneDx
Classification: Uncertain significance. Last evaluated: 2025-09-04. Review status: criteria provided, single submitter. Criteria: GeneDx Variant Classification Process June 2021. Collection method: clinical testing. Allele origin: germline. Affected: yes.
Comment: In silico analysis suggests that this missense variant does not alter protein structure/function; Has not been previously published as pathogenic or benign to our knowledge

Labcorp Genetics (formerly Invitae), Labcorp
Classification: Benign for Intellectual developmental disorder, X-linked 1. Last evaluated: 2024-06-17. Review status: criteria provided, single submitter. Criteria: Invitae Variant Classification Sherloc (09022015). Collection method: clinical testing. Allele origin: germline.

NM_001111125.3(IQSEC2):c.1696G>A (p.Gly566Ser)

Gene: IQSEC2 (IQ motif and Sec7 domain ArfGEF 2; minus strand). Cytogenetic location: Xp11.22.
Variant type: single nucleotide variant.
Coding change: c.1696G>A on transcript NM_001111125.3 (MANE Select); coding-DNA position 1696, G replaced by A.
Protein change: p.Gly566Ser; replaces glycine 566 with serine.
Molecular consequence: missense variant.
Genome position (GRCh38, 1-based): chrX:53,250,880, C>T on the plus strand (G>A on the coding strand, the complement: IQSEC2 is on the minus strand). VCF-style: chrX-53250880-C-T. GRCh37 (hg19) VCF-style: chrX-53280062-C-T.
Other names: c.1696G>A, p.Gly566Ser (NM_001410736.1); c.1081G>A, p.Gly361Ser (NM_015075.2); short protein forms G361S, G566S.
Identifiers: ClinVar variation 1708703 (VCV001708703.9), dbSNP rs782259574, ClinGen allele CA10420011.